The following is an entry in ClinVar:

ClinVar aggregate classification (germline): Uncertain significance (1 of 4 stars; one submission).

Conditions:
Congenital disorder of glycosylation, type IIw. Identifiers: MedGen C5561986, MONDO:0030437, OMIM 619525.
Glucose-6-phosphate transport defect (GSD1B). Also called: GSD Ib; Glycogen Storage Disease Type Ib. Identifiers: Orphanet 364, Orphanet 79259, MedGen C0268146, MONDO:0009288, OMIM 232220.

Submission:

Labcorp Genetics (formerly Invitae), Labcorp
Classification: Uncertain significance for Glucose-6-phosphate transport defect. Last evaluated: 2022-02-18. Review status: criteria provided, single submitter. Criteria: Invitae Variant Classification Sherloc (09022015). Collection method: clinical testing. Allele origin: germline.
Comment: In summary, the available evidence is currently insufficient to determine the role of this variant in disease. Therefore, it has been classified as a Variant of Uncertain Significance. Experimental studies and prediction algorithms are not available or were not evaluated, and the functional significance of this variant is currently unknown. This variant has not been reported in the literature in individuals affected with SLC37A4-related conditions. This variant is not present in population databases (gnomAD no frequency). This variant, c.1201_1218dup, results in the insertion of 6 amino acid(s) of the SLC37A4 protein (p.Glu401_Ala406dup), but otherwise preserves the integrity of the reading frame.

NM_001164277.2(SLC37A4):c.1201_1218dup (p.Ala406_Ser407insGluValIleCysAlaAla)

Gene: SLC37A4 (solute carrier family 37 member 4; minus strand). Cytogenetic location: 11q23.3.
Variant type: Duplication.
Coding change: c.1201_1218dup on transcript NM_001164277.2 (MANE Select); coding-DNA positions 1201 to 1218, 18 bases duplicated (GAAGTGATTTGTGCGGCC).
Protein change: p.Ala406_Ser407insGluValIleCysAlaAla.
Molecular consequence: inframe insertion.
Genome position (GRCh38, 1-based): chr11:119,024,982-119,024,999, GGCCGCACAAATCACTTC duplicated on the plus strand (GAAGTGATTTGTGCGGCC on the coding strand, the reverse complement: SLC37A4 is on the minus strand). VCF-style (leftmost placement, unchanged base first): chr11-119024981-T-TGGCCGCACAAATCACTTC. GRCh37 (hg19) VCF-style: chr11-118895691-T-TGGCCGCACAAATCACTTC.
Other names: c.1267_1284dup, p.Ala428_Ser429insGluValIleCysAlaAla (NM_001164278.2); c.982_999dup, p.Ala333_Ser334insGluValIleCysAlaAla (NM_001164279.2); c.1201_1218dup, p.Ala406_Ser407insGluValIleCysAlaAla (NM_001164280.2, NM_001467.6).
Identifiers: ClinVar variation 2098496 (VCV002098496.5), dbSNP rs2497009933, ClinGen allele CA2573105810.